The following is an entry in ClinVar:

NM_001122769.3(LCA5):c.1550_1551del (p.Arg517fs)

Gene: LCA5 (lebercilin LCA5; minus strand). Cytogenetic location: 6q14.1.
Variant type: Microsatellite.
Coding change: c.1550_1551del on transcript NM_001122769.3 (MANE Select); coding-DNA positions 1550 to 1551, 2 bases deleted (GA; older notation c.1550_1551delGA).
Protein change: p.Arg517fs; shifts the reading frame from arginine 517.
Molecular consequence: frameshift variant.
Genome position (GRCh38, 1-based): chr6:79,487,547-79,487,548, TC deleted on the plus strand (GA on the coding strand, the reverse complement: LCA5 is on the minus strand); deleting any 2 consecutive bases within chr6:79,487,547-79,487,553 gives the same sequence; the c. name uses the placement nearest the transcript's 3' end. VCF-style (leftmost placement, unchanged base first): chr6-79487546-ATC-A. GRCh37 (hg19) VCF-style: chr6-80197263-ATC-A.
Other names: NC_000006.11:g.80197269_80197270del; NP_001116241.1:p.(Arg517IlefsTer3); c.1550_1551del, p.Arg517fs (NM_181714.4); c.1550_1551del (NM_181714.3); short protein forms R517fs.
Identifiers: ClinVar variation 2676279 (VCV002676279.4), dbSNP rs767554181, ClinGen allele CA3900808.

ClinVar aggregate classification (germline): Pathogenic/Likely pathogenic. Review status: criteria provided, multiple submitters, no conflicts (2 of 4 stars). 3 submissions from 3 submitters: Pathogenic (1); Likely pathogenic (2). Last evaluated 2024-08-15.

Conditions:
Leber congenital amaurosis 5 (LCA5). Also called: Amaurosis congenita of Leber, type 5. Identifiers: Orphanet 65, MedGen C1858301, MONDO:0011473, OMIM 604537.
Retinal dystrophy. Also called: Inherited retinal dystrophy. Identifiers: Orphanet 71862, MedGen C0854723, MeSH D058499, MONDO:0019118, HP:0000556.

Submissions (3):

Natera, Inc.
Classification: Likely pathogenic for Leber congenital amaurosis type 5. Last evaluated: 2024-08-15. Review status: criteria provided, single submitter. Criteria: Natera Variant Classification Schema (03/2026). Collection method: clinical testing. Allele origin: germline.
Comment: The c.1550_1551del variant in LCA5 is a frameshift variant predicted to shift the reading frame beginning at codon 517 and leads to a stop codon 3 codons downstream. This variant is expected to result in nonsense mediated decay, truncation, or a dysfunctional protein product. This variant is rare in the general population with a frequency below the threshold expected for the associated phenotype(s). Given the available evidence, this variant is classified as Likely Pathogenic.

Ophthalmic Genetics Group, Institute of Molecular and Clinical Ophthalmology Basel
Classification: Pathogenic for Retinal dystrophy. Last evaluated: 2024-05-27. Review status: criteria provided, single submitter. Criteria: ACMG Guidelines, 2015. Collection method: research. Allele origin: germline. Affected: yes. Observed: 2 variant alleles.
Comment: This variant was classified as Pathogenic based on ACMG criteria: PVS1_strong, PM2_mod, PP3_sup and PP1_strong

Baylor Genetics
Classification: Likely pathogenic for Leber congenital amaurosis 5. Last evaluated: 2023-07-20. Review status: criteria provided, single submitter. Criteria: ACMG Guidelines, 2015. Collection method: clinical testing. Allele origin: unknown.

Literature cited by the submitters: PubMed 40180963 (cited by Ophthalmic Genetics Group, Institute of Molecular and Clinical Ophthalmology Basel).